The following is an entry in ClinVar:

ClinVar aggregate classification (germline): Uncertain significance (1 of 4 stars; one submission).

Allele frequency attached by ClinVar (database versions not stated): gnomAD exomes below 0.00001; ExAC 0.00001.
gnomAD v4.1: 1 of 1,612,486 alleles (0.000062%); highest among the groups gnomAD compares: Non-Finnish European, 0.000085%; no homozygotes.

Submission:

CeGaT Center for Human Genetics Tuebingen
Classification: Uncertain significance. Last evaluated: 2023-10-01. Review status: criteria provided, single submitter. Criteria: CeGaT Center For Human Genetics Tuebingen Variant Classification Criteria Version 2. Collection method: clinical testing. Allele origin: germline. Affected: yes. Observed: 1 variant allele.
Comment: PKHD1L1: PM2

NM_177531.6(PKHD1L1):c.3613T>G (p.Cys1205Gly)

Gene: PKHD1L1 (PKHD1 like 1; plus strand). Cytogenetic location: 8q23.1.
Variant type: single nucleotide variant.
Coding change: c.3613T>G on transcript NM_177531.6 (MANE Select); coding-DNA position 3613, T replaced by G.
Protein change: p.Cys1205Gly; replaces cysteine 1205 with glycine.
Molecular consequence: missense variant.
Genome position (GRCh38, 1-based): chr8:109,436,445, T>G. VCF-style: chr8-109436445-T-G. GRCh37 (hg19) VCF-style: chr8-110448674-T-G.
Other names: short protein forms C1205G.
Identifiers: ClinVar variation 2658748 (VCV002658748.24), dbSNP rs770188984, ClinGen allele CA4844772.